The following is an entry in ClinVar:

ClinVar aggregate classification (germline): Uncertain significance (1 of 4 stars; one submission).

Conditions:
Hereditary cancer-predisposing syndrome. Also called: Neoplastic Syndromes, Hereditary; Tumor predisposition; Hereditary Cancer Syndrome; Hereditary neoplastic syndrome. Identifiers: Orphanet 140162, MedGen C0027672, MeSH D009386, MONDO:0015356.

Submission:

Ambry Genetics
Classification: Uncertain significance for Hereditary cancer-predisposing syndrome. Last evaluated: 2020-12-30. Review status: criteria provided, single submitter. Criteria: Ambry Variant Classification Scheme 2023. Collection method: clinical testing. Allele origin: germline.
Comment: The p.T217R variant (also known as c.650C>G), located in coding exon 5 of the CDH1 gene, results from a C to G substitution at nucleotide position 650. The threonine at codon 217 is replaced by arginine, an amino acid with similar properties. This amino acid position is highly conserved in available vertebrate species. In addition, the in silico prediction for this alteration is inconclusive. Since supporting evidence is limited at this time, the clinical significance of this alteration remains unclear.

NM_004360.5(CDH1):c.650C>G (p.Thr217Arg)

Gene: CDH1 (cadherin 1; plus strand). Cytogenetic location: 16q22.1.
Variant type: single nucleotide variant.
Coding change: c.650C>G on transcript NM_004360.5 (MANE Select); coding-DNA position 650, C replaced by G.
Protein change: p.Thr217Arg; replaces threonine 217 with arginine.
Molecular consequence: missense variant. On other transcripts: 5 prime UTR variant (2).
Genome position (GRCh38, 1-based): chr16:68,808,811, C>G. VCF-style: chr16-68808811-C-G. GRCh37 (hg19) VCF-style: chr16-68842714-C-G.
Other names: c.-966C>G (NM_001317185.2); c.650C>G, p.Thr217Arg (NM_001317184.2); c.-1170C>G (NM_001317186.2); short protein forms T217R.
Identifiers: ClinVar variation 1753954 (VCV001753954.2), dbSNP rs778382252, ClinGen allele CA396458088.